The following is an entry in ClinVar:

ClinVar aggregate classification (germline): Conflicting classifications of pathogenicity. Review status: criteria provided, conflicting classifications (1 of 4 stars). 5 submissions from 5 submitters: Uncertain significance (4); Likely benign (1). Last evaluated 2025-10-18.

Conditions:
Inborn genetic diseases. Identifiers: MedGen C0950123, MeSH D030342.
Peroxisome biogenesis disorder 2A (Zellweger) (PBD2A). Also called: Cerebrohepatorenal syndrome, variant types. Identifiers: Orphanet 912, MedGen C3550273, MONDO:0008954, OMIM 214110.
Peroxisome biogenesis disorder 2B (PBD2B). Identifiers: Orphanet 44, MedGen C3550234, MONDO:0008736, OMIM 202370.

Allele frequency attached by ClinVar (database versions not stated): gnomAD exomes 0.00005 and 0.00013; ExAC 0.00017; gnomAD 0.00028 and 0.00029; TOPMed 0.00029; ESP Exome Variant Server 0.00038; 1000 Genomes Project 0.00080; 1000 Genomes Project 30x 0.00094.
gnomAD v4.1: 127 of 1,613,864 alleles (0.0079%); highest among the groups gnomAD compares: African/African-American, 0.099%; no homozygotes.

Submissions (5):

Ambry Genetics
Classification: Likely benign for Inborn genetic diseases. Last evaluated: 2025-10-18. Review status: criteria provided, single submitter. Criteria: Ambry Variant Classification Scheme 2023. Collection method: clinical testing. Allele origin: germline.

Blueprint Genetics
Classification: Uncertain significance. Last evaluated: 2024-10-02. Review status: criteria provided, single submitter. Criteria: ACMG Guidelines, 2015. Collection method: clinical testing. Allele origin: germline.

Labcorp Genetics (formerly Invitae), Labcorp
Classification: Uncertain significance for Peroxisome biogenesis disorder 2B. Last evaluated: 2024-01-19. Review status: criteria provided, single submitter. Criteria: Invitae Variant Classification Sherloc (09022015). Collection method: clinical testing. Allele origin: germline.
Comment: This sequence change replaces threonine, which is neutral and polar, with methionine, which is neutral and non-polar, at codon 197 of the PEX5 protein (p.Thr197Met). This variant is present in population databases (rs144897942, gnomAD 0.07%). This variant has not been reported in the literature in individuals affected with PEX5-related conditions. ClinVar contains an entry for this variant (Variation ID: 283813). Advanced modeling of protein sequence and biophysical properties (such as structural, functional, and spatial information, amino acid conservation, physicochemical variation, residue mobility, and thermodynamic stability) performed at Invitae indicates that this missense variant is not expected to disrupt PEX5 protein function with a negative predictive value of 80%. In summary, the available evidence is currently insufficient to determine the role of this variant in disease. Therefore, it has been classified as a Variant of Uncertain Significance.

Eurofins Ntd Llc (ga)
Classification: Uncertain significance. Last evaluated: 2018-08-14. Review status: criteria provided, single submitter. Criteria: EGL ClinVar v180209 classification definitions. Collection method: clinical testing. Allele origin: germline. Observed: 7 variant alleles, 7 heterozygotes.

Illumina Laboratory Services, Illumina
Classification: Uncertain significance for Peroxisome biogenesis disorder 2A (Zellweger). Last evaluated: 2018-01-13. Review status: criteria provided, single submitter. Criteria: ICSL Variant Classification Criteria 13 December 2019. Collection method: clinical testing. Allele origin: germline.

NM_001351132.2(PEX5):c.590C>T (p.Thr197Met)

Gene: PEX5 (peroxisomal biogenesis factor 5; plus strand). Cytogenetic location: 12p13.31.
Variant type: single nucleotide variant.
Coding change: c.590C>T on transcript NM_001351132.2 (MANE Select); coding-DNA position 590, C replaced by T.
Protein change: p.Thr197Met; replaces threonine 197 with methionine.
Molecular consequence: missense variant.
Genome position (GRCh38, 1-based): chr12:7,201,789, C>T. VCF-style: chr12-7201789-C-T. GRCh37 (hg19) VCF-style: chr12-7354385-C-T.
Other names: c.590C>T, p.Thr197Met (NM_000319.5, NM_001131024.2, NM_001131025.2 and 19 more transcripts); c.635C>T, p.Thr212Met (NM_001131023.2, NM_001351135.3, NM_001351138.2); short protein forms T197M, T212M.
Identifiers: ClinVar variation 283813 (VCV000283813.16), dbSNP rs144897942, ClinGen allele CA6426198.